The following is an entry in ClinVar:

ClinVar aggregate classification (germline): Uncertain significance. Review status: criteria provided, multiple submitters, no conflicts (2 of 4 stars). 3 submissions from 3 submitters: Uncertain significance (3). Last evaluated 2026-01-05.

Conditions:
Inborn genetic diseases. Identifiers: MedGen C0950123, MeSH D030342.

Allele frequency attached by ClinVar (database versions not stated): ExAC 0.00009; gnomAD exomes 0.00009; gnomAD 0.00024 and 0.00026.

Submissions (3):

Labcorp Genetics (formerly Invitae), Labcorp
Classification: Uncertain significance. Last evaluated: 2026-01-05. Review status: criteria provided, single submitter. Criteria: Invitae Variant Classification Sherloc (09022015). Collection method: clinical testing. Allele origin: germline.
Comment: This sequence change replaces arginine, which is basic and polar, with tryptophan, which is neutral and slightly polar, at codon 293 of the VARS2 protein (p.Arg293Trp). This variant is present in population databases (rs200002496, gnomAD 0.05%). This variant has not been reported in the literature in individuals affected with VARS2-related conditions. ClinVar contains an entry for this variant (Variation ID: 1687635). Invitae Evidence Modeling of protein sequence and biophysical properties (such as structural, functional, and spatial information, amino acid conservation, physicochemical variation, residue mobility, and thermodynamic stability) indicates that this missense variant is expected to disrupt VARS2 protein function with a positive predictive value of 80%. Algorithms developed to predict the effect of sequence changes on RNA splicing suggest that this variant may disrupt the consensus splice site. In summary, the available evidence is currently insufficient to determine the role of this variant in disease. Therefore, it has been classified as a Variant of Uncertain Significance.

GeneDx
Classification: Uncertain significance. Last evaluated: 2024-04-23. Review status: criteria provided, single submitter. Criteria: GeneDx Variant Classification Process June 2021. Collection method: clinical testing. Allele origin: germline. Affected: yes.
Comment: In silico analysis supports a deleterious effect on splicing; In silico analysis supports that this missense variant has a deleterious effect on protein structure/function; Has not been previously published as pathogenic or benign to our knowledge

Ambry Genetics
Classification: Uncertain significance for Inborn genetic diseases. Last evaluated: 2021-02-24. Review status: criteria provided, single submitter. Criteria: Ambry Variant Classification Scheme 2023. Collection method: clinical testing. Allele origin: germline.

NM_020442.6(VARS2):c.787C>T (p.Arg263Trp)

Gene: VARS2 (valyl-tRNA synthetase 2, mitochondrial; plus strand). Cytogenetic location: 6p21.33.
Variant type: single nucleotide variant.
Coding change: c.787C>T on transcript NM_020442.6 (MANE Select); coding-DNA position 787, C replaced by T.
Protein change: p.Arg263Trp; replaces arginine 263 with tryptophan.
Molecular consequence: missense variant.
Genome position (GRCh38, 1-based): chr6:30,917,138, C>T. VCF-style: chr6-30917138-C-T. GRCh37 (hg19) VCF-style: chr6-30884915-C-T.
Other names: c.367C>T, p.Arg123Trp (NM_001167733.3); c.877C>T, p.Arg293Trp (NM_001167734.2); short protein forms R123W, R263W, R293W.
Identifiers: ClinVar variation 1687635 (VCV001687635.7), dbSNP rs200002496, ClinGen allele CA3705733.